The following is an entry in ClinVar:

NM_003742.4(ABCB11):c.334A>G (p.Ile112Val)

Gene: ABCB11 (ATP binding cassette subfamily B member 11; minus strand). Cytogenetic location: 2q31.1.
Variant type: single nucleotide variant.
Coding change: c.334A>G on transcript NM_003742.4 (MANE Select); coding-DNA position 334, A replaced by G.
Protein change: p.Ile112Val; replaces isoleucine 112 with valine.
Molecular consequence: missense variant.
Genome position (GRCh38, 1-based): chr2:169,013,327, T>C on the plus strand (A>G on the coding strand, the complement: ABCB11 is on the minus strand). VCF-style: chr2-169013327-T-C. GRCh37 (hg19) VCF-style: chr2-169869837-T-C.
Other names: short protein forms I112V.
Identifiers: ClinVar variation 2203210 (VCV002203210.5), dbSNP rs746620432, ClinGen allele CA1951920.

ClinVar aggregate classification (germline): Conflicting classifications of pathogenicity. Review status: criteria provided, conflicting classifications (1 of 4 stars). 2 submissions from 2 submitters: Uncertain significance (1); Likely benign (1). Last evaluated 2026-04-14.

Conditions:
Familial intrahepatic cholestasis. Identifiers: Orphanet 284385, MedGen CN296401, MONDO:0017290.

Allele frequency attached by ClinVar (database versions not stated): gnomAD 0.00001; gnomAD exomes 0.00001; TOPMed 0.00001; ExAC 0.00002.
gnomAD v4.1: 15 of 1,613,756 alleles (0.00093%); highest among the groups gnomAD compares: East Asian, 0.013%; no homozygotes.

Submissions (2):

Genomenon, Inc
Classification: Uncertain significance for Familial intrahepatic cholestasis. Last evaluated: 2026-04-14. Review status: criteria provided, single submitter. Criteria: Genomenon Sequence Variant Interpretation Standards - Updated. Collection method: curation. Allele origin: germline. Affected: yes.
Comment: ABCB11 p.Ile112Val (c.334A>G) is a missense variant that changes the amino acid at residue 112 from Isoleucine to Valine. This variant has been observed in at least one proband with an ABCB11-related disorder (PMID:26382629). It is absent or not present at a significant frequency in gnomAD. In conclusion, we classify ABCB11 p.Ile112Val (c.334A>G) as a variant of uncertain significance.

Labcorp Genetics (formerly Invitae), Labcorp
Classification: Likely benign. Last evaluated: 2024-11-09. Review status: criteria provided, single submitter. Criteria: Invitae Variant Classification Sherloc (09022015). Collection method: clinical testing. Allele origin: germline.

Literature cited by the submitters: PubMed 26382629 (cited by Genomenon, Inc).